The following is an entry in ClinVar:

NM_001243133.2(NLRP3):c.1231C>T (p.Leu411=)

Gene: NLRP3 (NLR family pyrin domain containing 3; plus strand). Cytogenetic location: 1q44.
Variant type: single nucleotide variant.
Coding change: c.1231C>T on transcript NM_001243133.2 (MANE Select); coding-DNA position 1231, C replaced by T.
Protein change: p.Leu411=; no amino-acid change (leucine 411 retained).
Molecular consequence: synonymous variant.
Genome position (GRCh38, 1-based): chr1:247,424,680, C>T. VCF-style: chr1-247424680-C-T. GRCh37 (hg19) VCF-style: chr1-247587982-C-T.
Other names: p.Leu413=; c.1231C>T, p.Leu411= (NM_001079821.3, NM_001127461.3, NM_001127462.3 and 1 more transcripts); c.1237C>T, p.Leu413= (NM_004895.5).
Identifiers: ClinVar variation 97918 (VCV000097918.71), dbSNP rs148478875, ClinGen allele CA281153.
Genomic context (GRCh38, chr1:247,424,680, plus strand): 5'-AGGGCAGCCTTCAGTCTGATTCAGGAGAACGAGGTCCTCTTCACCATGTGCTTCATCCCC[C>T]TGGTCTGCTGGATCGTGTGCACTGGACTGAAACAGCAGATGGAGAGTGGCAAGAGCCTTG-3'
Protein context (NP_001230062.1, residues 401-421): EVLFTMCFIP[Leu411=]VCWIVCTGLK

ClinVar aggregate classification (germline): Benign/Likely benign. Review status: criteria provided, multiple submitters, no conflicts (2 of 4 stars). 17 submissions from 14 submitters: Benign (14); Likely benign (2). 1 of the submissions does not count toward it. Last evaluated 2026-09-01.

Conditions:
Autoinflammatory syndrome. Identifiers: Orphanet 93665, MedGen C3890737, MONDO:0019751.
Cryopyrin associated periodic syndrome (CAPS). Identifiers: Orphanet 208650, MedGen C2316212, MONDO:0016168.
Familial amyloid nephropathy with urticaria AND deafness (MWS). Also called: UDA SYNDROME; URTICARIA-DEAFNESS-AMYLOIDOSIS SYNDROME; MUCKLE-WELLS SYNDROME; Urticaria, deafness and amyloidosis; CRYOPYRIN-ASSOCIATED PERIODIC SYNDROME 2. Identifiers: Orphanet 575, MedGen C0268390, MONDO:0008633, OMIM 191900.
Chronic infantile neurological, cutaneous and articular syndrome (CINCA). Also called: Prieur Griscelli syndrome; CRYOPYRIN-ASSOCIATED PERIODIC SYNDROME 3; CINCA syndrome; CHRONIC NEUROLOGIC CUTANEOUS AND ARTICULAR SYNDROME. Identifiers: Orphanet 1451, MedGen C0409818, MONDO:0011776, OMIM 607115.
Familial cold autoinflammatory syndrome 1 (FCAS1). Also called: CRYOPYRIN-ASSOCIATED PERIODIC SYNDROME 1; Familial cold inflammatory syndrome 1. Identifiers: Orphanet 47045, MedGen C4551895, MONDO:0007349, OMIM 120100.
Focal segmental glomerulosclerosis (FSGS). Also called: Glomerulosclerosis, focal; Focal sclerosis with hyalinosis. Identifiers: MedGen C0017668, MONDO:0100313, HP:0000097. Disease mechanism: loss of function.

Allele frequency attached by ClinVar (database versions not stated): 1000 Genomes Project 30x 0.00375; 1000 Genomes Project 0.00379; TOPMed 0.00558; gnomAD exomes 0.00609 and 0.00906; ExAC 0.00613; gnomAD 0.00627 and 0.00638; ESP Exome Variant Server 0.00730.
gnomAD v4.1: 13,977 of 1,614,230 alleles (0.87%); highest among the groups gnomAD compares: Non-Finnish European, 1%; 71 homozygotes.

Submissions (17):

CeGaT Center for Human Genetics Tuebingen
Classification: Benign. Last evaluated: 2026-09-01. Review status: criteria provided, single submitter. Criteria: CeGaT Center For Human Genetics Tuebingen Variant Classification Criteria Version 2. Collection method: clinical testing. Allele origin: germline. Affected: yes. Observed: 50 variant alleles.
Comment: NLRP3: BP4, BP7, BS1, BS2

Labcorp Genetics (formerly Invitae), Labcorp
Classification: Benign for Cryopyrin associated periodic syndrome. Last evaluated: 2026-02-01. Review status: criteria provided, single submitter. Criteria: Invitae Variant Classification Sherloc (09022015). Collection method: clinical testing. Allele origin: germline.

Women's Health and Genetics/Laboratory Corporation of America, LabCorp
Classification: Benign. Last evaluated: 2026-01-22. Review status: criteria provided, single submitter. Criteria: LabCorp Variant Classification Summary - May 2015. Collection method: clinical testing. Allele origin: germline.

ARUP Laboratories, Molecular Genetics and Genomics, ARUP Laboratories
Classification: Benign. Last evaluated: 2025-04-21. Review status: criteria provided, single submitter. Criteria: ARUP Molecular Germline Variant Investigation Process 2024. Collection method: clinical testing. Allele origin: germline.

Blueprint Genetics
Classification: Likely benign. Last evaluated: 2024-11-22. Review status: criteria provided, single submitter. Criteria: ACMG Guidelines, 2015. Collection method: clinical testing. Allele origin: germline.

Mayo Clinic Laboratories, Mayo Clinic
Classification: Benign. Last evaluated: 2024-01-30. Review status: criteria provided, single submitter. Criteria: ACMG Guidelines, 2015. Collection method: clinical testing. Allele origin: germline. Observed: 18 variant alleles.
Comment: BS1, BS2, BP4, BP7

Genome Diagnostics Laboratory, The Hospital for Sick Children
Classification: Benign for Focal segmental glomerulosclerosis. Last evaluated: 2022-05-17. Review status: criteria provided, single submitter. Criteria: ACMG Guidelines, 2015. Collection method: clinical testing. Allele origin: germline.

Genome Diagnostics Laboratory, The Hospital for Sick Children
Classification: Benign for Autoinflammatory syndrome. Last evaluated: 2022-04-28. Review status: criteria provided, single submitter. Criteria: ACMG Guidelines, 2015. Collection method: clinical testing. Allele origin: germline. Affected: yes.

Athena Diagnostics
Classification: Benign. Last evaluated: 2019-07-08. Review status: criteria provided, single submitter. Criteria: Athena Diagnostics Criteria. Collection method: clinical testing. Allele origin: germline.

Illumina Laboratory Services, Illumina
Classification: Benign for Familial cold autoinflammatory syndrome 1. Last evaluated: 2018-01-13. Review status: criteria provided, single submitter. Criteria: ICSL Variant Classification Criteria 13 December 2019. Collection method: clinical testing. Allele origin: germline.
Comment: This variant was observed in the ICSL laboratory as part of a predisposition screen in an ostensibly healthy population. It had not been previously curated by ICSL or reported in the Human Gene Mutation Database (HGMD: prior to June 1st, 2018), and was therefore a candidate for classification through an automated scoring system. Utilizing variant allele frequency, disease prevalence and penetrance estimates, and inheritance mode, an automated score was calculated to assess if this variant is too frequent to cause the disease. Based on the score and internal cut-off values, a variant classified as benign is not then subjected to further curation. The score for this variant resulted in a classification of benign for this disease.

Illumina Laboratory Services, Illumina
Classification: Benign for Familial amyloid nephropathy with urticaria AND deafness. Last evaluated: 2018-01-13. Review status: criteria provided, single submitter. Criteria: ICSL Variant Classification Criteria 13 December 2019. Collection method: clinical testing. Allele origin: germline.
Comment: the same text as in the submission from Illumina Laboratory Services, Illumina above.

Illumina Laboratory Services, Illumina
Classification: Benign for Chronic infantile neurological, cutaneous and articular syndrome. Last evaluated: 2018-01-13. Review status: criteria provided, single submitter. Criteria: ICSL Variant Classification Criteria 13 December 2019. Collection method: clinical testing. Allele origin: germline.
Comment: the same text as in the submission from Illumina Laboratory Services, Illumina above.

Laboratory for Molecular Medicine, Mass General Brigham Personalized Medicine
Classification: Benign. Last evaluated: 2017-08-23. Review status: criteria provided, single submitter. Criteria: LMM Criteria. Collection method: clinical testing. Allele origin: germline. Observed: 6 variant alleles.
Comment: p.Leu413Leu in exon 5 of NLRP3: This variant is not expected to have clinical si gnificance because it does not alter an amino acid residue, is not located withi n the splice consensus sequence, and has been identified in 0.92% (616/66676) of European chromosomes by the Exome Aggregation Consortium (ExAC; dbSNP rs148478875).

GeneDx
Classification: Benign. Last evaluated: 2015-03-03. Review status: criteria provided, single submitter. Criteria: GeneDx Variant Classification Process June 2021. Collection method: clinical testing. Allele origin: germline. Affected: yes.

Breakthrough Genomics
Classification: Likely benign. Review status: criteria provided, single submitter. Criteria: ACMG Guidelines, 2015. Collection method: not provided. Allele origin: germline. Inheritance: Autosomal dominant inheritance. Affected: yes.

PreventionGenetics, part of Exact Sciences
Classification: Benign. Review status: criteria provided, single submitter. Criteria: ACMG Guidelines, 2015. Collection method: clinical testing. Allele origin: germline.

Unité médicale des maladies autoinflammatoires, CHRU Montpellier
No classification provided. Condition: Familial cold urticaria. Review status: no classification provided. Collection method: not provided. Allele origin: unknown. Not counted in ClinVar's aggregate classification.
Comment: also involved in OMIM 191900 and 607115